The following is an entry in ClinVar:

NM_000081.4(LYST):c.8258C>T (p.Ser2753Leu)

Gene: LYST (lysosomal trafficking regulator; minus strand). Cytogenetic location: 1q42.3.
Variant type: single nucleotide variant.
Coding change: c.8258C>T on transcript NM_000081.4 (MANE Select); coding-DNA position 8258, C replaced by T.
Protein change: p.Ser2753Leu; replaces serine 2753 with leucine.
Molecular consequence: missense variant.
Genome position (GRCh38, 1-based): chr1:235,741,522, G>A on the plus strand (C>T on the coding strand, the complement: LYST is on the minus strand). VCF-style: chr1-235741522-G-A. GRCh37 (hg19) VCF-style: chr1-235904822-G-A.
Other names: c.8258C>T, p.Ser2753Leu (NM_001301365.1); c.8258C>T (NM_000081.2); short protein forms S2753L.
Identifiers: ClinVar variation 296374 (VCV000296374.12), dbSNP rs200381196, ClinGen allele CA1465918.

ClinVar aggregate classification (germline): Uncertain significance. Review status: criteria provided, multiple submitters, no conflicts (2 of 4 stars). 4 submissions from 4 submitters: Uncertain significance (4). Last evaluated 2025-08-12.

Conditions:
Inborn genetic diseases. Identifiers: MedGen C0950123, MeSH D030342.
Chédiak-Higashi syndrome (CHS). Also called: Chediak-Higashi Syndrome. Identifiers: Orphanet 167, MedGen C0007965, MONDO:0008963, OMIM 214500.

Allele frequency attached by ClinVar (database versions not stated): ExAC 0.00004; gnomAD 0.00004; gnomAD exomes 0.00004; TOPMed 0.00005; ESP Exome Variant Server 0.00008.
gnomAD v4.1: 67 of 1,613,754 alleles (0.0042%); highest among the groups gnomAD compares: Middle Eastern, 0.016%; no homozygotes.

Submissions (4):

Ambry Genetics
Classification: Uncertain significance for Inborn genetic diseases. Last evaluated: 2025-08-12. Review status: criteria provided, single submitter. Criteria: Ambry Variant Classification Scheme 2023. Collection method: clinical testing. Allele origin: germline.

Labcorp Genetics (formerly Invitae), Labcorp
Classification: Uncertain significance for Chédiak-Higashi syndrome. Last evaluated: 2024-10-31. Review status: criteria provided, single submitter. Criteria: Invitae Variant Classification Sherloc (09022015). Collection method: clinical testing. Allele origin: germline.
Comment: This sequence change replaces serine, which is neutral and polar, with leucine, which is neutral and non-polar, at codon 2753 of the LYST protein (p.Ser2753Leu). This variant is present in population databases (rs200381196, gnomAD 0.006%). This variant has not been reported in the literature in individuals affected with LYST-related conditions. ClinVar contains an entry for this variant (Variation ID: 296374). Invitae Evidence Modeling of protein sequence and biophysical properties (such as structural, functional, and spatial information, amino acid conservation, physicochemical variation, residue mobility, and thermodynamic stability) has been performed for this missense variant. However, the output from this modeling did not meet the statistical confidence thresholds required to predict the impact of this variant on LYST protein function. In summary, the available evidence is currently insufficient to determine the role of this variant in disease. Therefore, it has been classified as a Variant of Uncertain Significance.

Blueprint Genetics
Classification: Uncertain significance. Last evaluated: 2024-09-19. Review status: criteria provided, single submitter. Criteria: ACMG Guidelines, 2015. Collection method: clinical testing. Allele origin: germline.

Illumina Laboratory Services, Illumina
Classification: Uncertain significance for Chédiak-Higashi syndrome. Last evaluated: 2018-01-12. Review status: criteria provided, single submitter. Criteria: ICSL Variant Classification Criteria 13 December 2019. Collection method: clinical testing. Allele origin: germline.